The following is an entry in ClinVar:

NM_000465.4(BARD1):c.1900G>C (p.Glu634Gln)

Gene: BARD1 (BRCA1 associated RING domain 1; minus strand). Cytogenetic location: 2q35.
Variant type: single nucleotide variant.
Coding change: c.1900G>C on transcript NM_000465.4 (MANE Select); coding-DNA position 1900, G replaced by C.
Protein change: p.Glu634Gln; replaces glutamic acid 634 with glutamine.
Molecular consequence: missense variant. On other transcripts: non-coding transcript variant (3), intron variant (1).
Genome position (GRCh38, 1-based): chr2:214,745,070, C>G on the plus strand (G>C on the coding strand, the complement: BARD1 is on the minus strand). VCF-style: chr2-214745070-C-G. GRCh37 (hg19) VCF-style: chr2-215609794-C-G.
Other names: c.1843G>C, p.Glu615Gln (NM_001282543.2); c.547G>C, p.Glu183Gln (NM_001282545.2); c.490G>C, p.Glu164Gln (NM_001282548.2); c.365-14562G>C (NM_001282549.2); short protein forms E164Q, E183Q, E615Q, E634Q.
Identifiers: ClinVar variation 4805903 (VCV004805903.1).

ClinVar aggregate classification (germline): Uncertain significance (1 of 4 stars; one submission).

Conditions:
Familial cancer of breast. Also called: BREAST CANCER, FAMILIAL; Hereditary breast cancer; hereditary breast carcinoma. Identifiers: Orphanet 227535, MedGen C0346153, MONDO:0016419, OMIM 114480. Disease mechanism: loss of function.

Submission:

Labcorp Genetics (formerly Invitae), Labcorp
Classification: Uncertain significance for Familial cancer of breast. Last evaluated: 2025-05-22. Review status: criteria provided, single submitter. Criteria: Invitae Variant Classification Sherloc (09022015). Collection method: clinical testing. Allele origin: germline.
Comment: This sequence change replaces glutamic acid, which is acidic and polar, with glutamine, which is neutral and polar, at codon 634 of the BARD1 protein (p.Glu634Gln). This variant is not present in population databases (gnomAD no frequency). This variant has not been reported in the literature in individuals affected with BARD1-related conditions. An algorithm developed to predict the effect of missense changes on protein structure and function (PolyPhen-2) suggests that this variant is likely to be tolerated. In summary, the available evidence is currently insufficient to determine the role of this variant in disease. Therefore, it has been classified as a Variant of Uncertain Significance.